The following is an entry in ClinVar:

NM_000545.8(HNF1A):c.445A>G (p.Asn149Asp)

Gene: HNF1A (HNF1 homeobox A; plus strand). Cytogenetic location: 12q24.31.
Variant type: single nucleotide variant.
Coding change: c.445A>G on transcript NM_000545.8 (MANE Select); coding-DNA position 445, A replaced by G.
Protein change: p.Asn149Asp; replaces asparagine 149 with aspartic acid.
Molecular consequence: missense variant.
Genome position (GRCh38, 1-based): chr12:120,988,951, A>G. VCF-style: chr12-120988951-A-G. GRCh37 (hg19) VCF-style: chr12-121426754-A-G.
Other names: c.445A>G, p.Asn149Asp (NM_001306179.2); short protein forms N149D.
Identifiers: ClinVar variation 594360 (VCV000594360.9), dbSNP rs1565883574, ClinGen allele CA386960103.

ClinVar aggregate classification (germline): Conflicting classifications of pathogenicity. Review status: criteria provided, conflicting classifications (1 of 4 stars). 3 submissions from 3 submitters: Likely pathogenic (1); Likely risk allele (1); Uncertain significance (1). Last evaluated 2020-11-02.

Conditions:
Maturity-onset diabetes of the young (MODY). Also called: Maturity onset diabetes mellitus in young. Identifiers: Orphanet 552, MedGen C0342276, MONDO:0018911, HP:0004904.

Submissions (3):

GeneDx
Classification: Likely pathogenic. Last evaluated: 2020-11-02. Review status: criteria provided, single submitter. Criteria: GeneDx Variant Classification Process June 2021. Collection method: clinical testing. Allele origin: germline. Affected: yes.
Comment: Not observed in large population cohorts (Lek et al., 2016); In silico analysis supports that this missense variant has a deleterious effect on protein structure/function; Has not been previously published as pathogenic or benign to our knowledge

Eurofins Ntd Llc (ga)
Classification: Uncertain significance. Last evaluated: 2017-10-06. Review status: criteria provided, single submitter. Criteria: EGL Classification Definitions 2015. Collection method: clinical testing. Allele origin: germline. Observed: 1 variant allele, 1 heterozygote.

Clinical Genomics, Uppaluri K&H Personalized Medicine Clinic
Classification: Likely risk allele for Maturity-onset diabetes of the young. Review status: criteria provided, single submitter. Criteria: K & H Uppaluri Personalized Medicine Clinic Variant Classification & Assertion Criteria_Updated V.1. Collection method: research. Allele origin: unknown. Inheritance: Autosomal dominant inheritance.
Comment: Mutations in HNF1A gene can predispose to MODY3. It is associated with both micro and macrovascular complications of diabetes, especially cardiovascular complications. Associated with glucosuria. May respond well to sulfonylureas. However, more evidence is required to confer the association of this particular variant rs1565883574 with MODY3.

Literature cited by the submitters: PubMed 31517624 (cited by Clinical Genomics, Uppaluri K&H Personalized Medicine Clinic); PubMed 32395877 (cited by Clinical Genomics, Uppaluri K&H Personalized Medicine Clinic); PubMed 35328643 (cited by Clinical Genomics, Uppaluri K&H Personalized Medicine Clinic); PubMed 35673428 (cited by Clinical Genomics, Uppaluri K&H Personalized Medicine Clinic).